The following is an entry in ClinVar:

NM_001163435.3(TBCK):c.2035A>G (p.Ile679Val)

Gene: TBCK (TBC1 domain containing kinase; minus strand). Cytogenetic location: 4q24.
Variant type: single nucleotide variant.
Coding change: c.2035A>G on transcript NM_001163435.3 (MANE Select); coding-DNA position 2035, A replaced by G.
Protein change: p.Ile679Val; replaces isoleucine 679 with valine.
Molecular consequence: missense variant.
Genome position (GRCh38, 1-based): chr4:106,193,633, T>C on the plus strand (A>G on the coding strand, the complement: TBCK is on the minus strand). VCF-style: chr4-106193633-T-C. GRCh37 (hg19) VCF-style: chr4-107114790-T-C.
Other names: c.2035A>G, p.Ile679Val (NM_001163436.4); c.1918A>G, p.Ile640Val (NM_001163437.3); c.1519A>G, p.Ile507Val (NM_001290768.2); c.1846A>G, p.Ile616Val (NM_033115.5); short protein forms I507V, I640V, I616V, I679V.
Identifiers: ClinVar variation 1349308 (VCV001349308.6), dbSNP rs1753897880, ClinGen allele CA357821203.
Genomic context (GRCh38, chr4:106,193,633, plus strand): 5'-ATTTCATTTAATGGCTCCATTTATTTAGATCTATACCTGGTAAATCGGAGAAGAGAAGAA[T>C]ACACTCATTAAAGCCATTAGCCAAAAGCCGGTCCCGCAGCTGCTGAAGAATTGCTACTCC-3'
Protein context (NP_001156907.2, residues 669-689): RLLANGFNEC[Ile679Val]LLFSDLPEID

ClinVar aggregate classification (germline): Uncertain significance (1 of 4 stars; one submission).

Submission:

Labcorp Genetics (formerly Invitae), Labcorp
Classification: Uncertain significance. Last evaluated: 2021-09-19. Review status: criteria provided, single submitter. Criteria: Invitae Variant Classification Sherloc (09022015). Collection method: clinical testing. Allele origin: germline.
Comment: This sequence change replaces isoleucine with valine at codon 679 of the TBCK protein (p.Ile679Val). The isoleucine residue is highly conserved and there is a small physicochemical difference between isoleucine and valine. This variant is not present in population databases (ExAC no frequency). This variant has not been reported in the literature in individuals affected with TBCK-related conditions. Algorithms developed to predict the effect of missense changes on protein structure and function are either unavailable or do not agree on the potential impact of this missense change (SIFT: "Tolerated"; PolyPhen-2: "Probably Damaging"; Align-GVGD: "Class C0"). In summary, the available evidence is currently insufficient to determine the role of this variant in disease. Therefore, it has been classified as a Variant of Uncertain Significance.